The following is an entry in ClinVar:

NM_000338.3(SLC12A1):c.2541T>A (p.Asp847Glu)

Gene: SLC12A1 (solute carrier family 12 member 1; plus strand). Cytogenetic location: 15q21.1.
Variant type: single nucleotide variant.
Coding change: c.2541T>A on transcript NM_000338.3 (MANE Select); coding-DNA position 2541, T replaced by A.
Protein change: p.Asp847Glu; replaces aspartic acid 847 with glutamic acid.
Molecular consequence: missense variant.
Genome position (GRCh38, 1-based): chr15:48,285,161, T>A. VCF-style: chr15-48285161-T-A. GRCh37 (hg19) VCF-style: chr15-48577358-T-A.
Other names: p.Asp847Glu; c.2541T>A, p.Asp847Glu (NM_001184832.2, NM_001384136.1); short protein forms D847E.
Identifiers: ClinVar variation 2255987 (VCV002255987.3), dbSNP rs773955892, ClinGen allele CA7547436.

ClinVar aggregate classification (germline): Uncertain significance. Review status: criteria provided, multiple submitters, no conflicts (2 of 4 stars). 2 submissions from 2 submitters: Uncertain significance (2). Last evaluated 2024-08-07.

Conditions:
Inborn genetic diseases. Identifiers: MedGen C0950123, MeSH D030342.

Allele frequency attached by ClinVar (database versions not stated): ExAC 0.00001.
gnomAD v4.1: 1 of 1,613,646 alleles (0.000062%); highest among the groups gnomAD compares: African/African-American, 0.0013%; no homozygotes.

Submissions (2):

Mayo Clinic Laboratories, Mayo Clinic
Classification: Uncertain significance. Last evaluated: 2024-08-07. Review status: criteria provided, single submitter. Criteria: ACMG Guidelines, 2015. Collection method: clinical testing. Allele origin: germline. Observed: 1 variant allele.
Comment: BP4, PM2

Ambry Genetics
Classification: Uncertain significance for Inborn genetic diseases. Last evaluated: 2021-10-20. Review status: criteria provided, single submitter. Criteria: Ambry Variant Classification Scheme 2023. Collection method: clinical testing. Allele origin: germline.